The following is an entry in ClinVar:

NM_153240.5(NPHP3):c.2692A>G (p.Arg898Gly)

Genes: NPHP3 (nephrocystin 3; minus strand), NPHP3-ACAD11 (NPHP3-ACAD11 readthrough (NMD candidate); minus strand). Cytogenetic location: 3q22.1.
Variant type: single nucleotide variant.
Coding change: c.2692A>G on transcript NM_153240.5 (MANE Select); coding-DNA position 2692, A replaced by G.
Protein change: p.Arg898Gly; replaces arginine 898 with glycine.
Molecular consequence: missense variant. On other transcripts: non-coding transcript variant (1).
Genome position (GRCh38, 1-based): chr3:132,690,529, T>C on the plus strand (A>G on the coding strand, the complement: NPHP3 is on the minus strand). VCF-style: chr3-132690529-T-C. GRCh37 (hg19) VCF-style: chr3-132409373-T-C.
Other names: short protein forms R898G.
Identifiers: ClinVar variation 591099 (VCV000591099.1), dbSNP rs1560003115, ClinGen allele CA354580711.

ClinVar aggregate classification (germline): Uncertain significance. Review status: criteria provided, single submitter (1 of 4 stars). 2 submissions from 2 submitters: Uncertain significance (1). 1 of the submissions does not count toward it.

Conditions:
Renal-hepatic-pancreatic dysplasia 1 (RHPD1). Identifiers: MedGen C3715199, MONDO:0008833, OMIM 208540.

Submissions (2):

Neuberg Centre For Genomic Medicine, NCGM
Classification: Uncertain significance for Renal-hepatic-pancreatic dysplasia 1. Review status: criteria provided, single submitter. Criteria: ACMG Guidelines, 2015. Collection method: clinical testing. Allele origin: germline. Inheritance: Autosomal recessive inheritance. Affected: yes.
Comment: The c.2692A>G (p.Arg898Gly) missense variant in NPHP3 gene has been submitted to ClinVar as a Variant of Uncertain Significance, but no details are available for independent assessment. It has not been reported in affected individuals. The p.Arg898Gly variant is novel (not in any individuals) in gnomAD Exomes and 1000 Genomes. The amino acid Arg at position 898 is changed to a Gly changing protein sequence and it might alter its composition and physicochemical properties. The amino acid change p.Arg898Gly in NPHP3 is predicted as conserved by GERP++ and PhyloP across 100 vertebrates. For these reasons, this variant has been classified as Variant of Uncertain Significance (VUS).

Gharavi Laboratory, Columbia University
Classification: Uncertain significance. Last evaluated: 2018-09-16. Review status: no assertion criteria provided. Criteria: ACMG Guidelines, 2015. Collection method: research. Allele origin: germline. Affected: yes. Not counted in ClinVar's aggregate classification.